The following is an entry in ClinVar:

ClinVar aggregate classification (germline): Likely benign. Review status: criteria provided, single submitter (1 of 4 stars). 3 submissions from 3 submitters: Likely benign (1). 2 of the submissions do not count toward it. Last evaluated 2026-02-04.

Conditions:
Autism spectrum disorder - epilepsy - arthrogryposis syndrome (AMRS). Identifiers: Orphanet 370943, MedGen C3809910, MONDO:0014248, OMIM 615553.
Arthrogryposis multiplex congenita (AMC). Also called: Guérin-Stern syndrome; Fibrous ankylosis of multiple joints; Congenital arthromyodysplasia; Myodystrophia fetalis deformans; Otto syndrome; Rocher-Sheldon syndrome. Identifiers: Orphanet 1037, MedGen C5779613, MeSH D001176, MONDO:0015168, HP:0002804.
SLC35A3-related disorder. Also called: SLC35A3-related condition.

Allele frequency attached by ClinVar (database versions not stated): gnomAD exomes 0.00003 and 0.00008; ExAC 0.00011; gnomAD 0.00032 and 0.00034; TOPMed 0.00042; ESP Exome Variant Server 0.00085; 1000 Genomes Project 0.00100; 1000 Genomes Project 30x 0.00109.

Submissions (3):

Labcorp Genetics (formerly Invitae), Labcorp
Classification: Likely benign for Autism spectrum disorder - epilepsy - arthrogryposis syndrome. Last evaluated: 2026-02-04. Review status: criteria provided, single submitter. Criteria: Invitae Variant Classification Sherloc (09022015). Collection method: clinical testing. Allele origin: germline.

PreventionGenetics, part of Exact Sciences
Classification: Likely benign for SLC35A3-related condition. Last evaluated: 2020-02-04. Review status: no assertion criteria provided. Collection method: clinical testing. Allele origin: germline. Not counted in ClinVar's aggregate classification.
Comment: This variant is classified as likely benign based on ACMG/AMP sequence variant interpretation guidelines (Richards et al. 2015 PMID: 25741868, with internal and published modifications).

Natera, Inc.
Classification: Uncertain significance for Arthrogryposis. Last evaluated: 2020-01-24. Review status: no assertion criteria provided. Collection method: clinical testing. Allele origin: germline. Not counted in ClinVar's aggregate classification.

NM_012243.3(SLC35A3):c.933G>A (p.Leu311=)

Gene: SLC35A3 (solute carrier family 35 member A3; plus strand). Cytogenetic location: 1p21.2.
Variant type: single nucleotide variant.
Coding change: c.933G>A on transcript NM_012243.3 (MANE Select); coding-DNA position 933, G replaced by A.
Protein change: p.Leu311=; no amino-acid change (leucine 311 retained).
Molecular consequence: synonymous variant. On other transcripts: 3 prime UTR variant (1).
Genome position (GRCh38, 1-based): chr1:100,022,431, G>A. VCF-style: chr1-100022431-G-A. GRCh37 (hg19) VCF-style: chr1-100487987-G-A.
Other names: c.*17G>A (NM_001271684.2); c.1059G>A, p.Leu353= (NM_001271685.2).
Identifiers: ClinVar variation 783236 (VCV000783236.14), dbSNP rs139479346, ClinGen allele CA967703.